The following is an entry in ClinVar:

NM_024408.4(NOTCH2):c.2295A>G (p.Pro765=)

Gene: NOTCH2 (notch receptor 2; minus strand). Cytogenetic location: 1p12.
Variant type: single nucleotide variant.
Coding change: c.2295A>G on transcript NM_024408.4 (MANE Select); coding-DNA position 2295, A replaced by G.
Protein change: p.Pro765=; no amino-acid change (proline 765 retained).
Molecular consequence: synonymous variant.
Genome position (GRCh38, 1-based): chr1:119,953,613, T>C on the plus strand (A>G on the coding strand, the complement: NOTCH2 is on the minus strand). VCF-style: chr1-119953613-T-C. GRCh37 (hg19) VCF-style: chr1-120496236-T-C.
Other names: c.2295A>G, p.Pro765= (NM_001200001.2).
Identifiers: ClinVar variation 759239 (VCV000759239.13), dbSNP rs139358772, ClinGen allele CA1040339.

ClinVar aggregate classification (germline): Likely benign. Review status: criteria provided, multiple submitters, no conflicts (2 of 4 stars). 3 submissions from 3 submitters: Likely benign (2). 1 of the submissions does not count toward it. Last evaluated 2025-06-08.

Conditions:
Hajdu-Cheney syndrome (HJCYS). Also called: SERPENTINE FIBULA-POLYCYSTIC KIDNEY SYNDROME; Acroosteolysis dominant type; ACROOSTEOLYSIS WITH OSTEOPOROSIS AND CHANGES IN SKULL AND MANDIBLE. Identifiers: Orphanet 955, MedGen C0917715, MONDO:0007057, OMIM 102500.
Alagille syndrome due to a NOTCH2 point mutation. Also called: Alagille syndrome 2. Identifiers: Orphanet 261629, Orphanet 52, MedGen C1857761, MONDO:0012439, OMIM 610205.
NOTCH2-related disorder. Also called: NOTCH2-related condition.

Allele frequency attached by ClinVar (database versions not stated): TOPMed below 0.00001; gnomAD 0.00001; gnomAD exomes 0.00001 and 0.00002; ExAC 0.00002; ESP Exome Variant Server 0.00008.
gnomAD v4.1: 15 of 1,614,004 alleles (0.00093%); highest among the groups gnomAD compares: Middle Eastern, 0.016%; no homozygotes.

Submissions (3):

Labcorp Genetics (formerly Invitae), Labcorp
Classification: Likely benign for Hajdu-Cheney syndrome. Last evaluated: 2025-06-08. Review status: criteria provided, single submitter. Criteria: Invitae Variant Classification Sherloc (09022015). Collection method: clinical testing. Allele origin: germline.

Fulgent Genetics
Classification: Likely benign for Hajdu-Cheney syndrome; Alagille syndrome due to a NOTCH2 point mutation. Last evaluated: 2021-09-09. Review status: criteria provided, single submitter. Criteria: ACMG Guidelines, 2015. Collection method: clinical testing. Allele origin: unknown.

PreventionGenetics, part of Exact Sciences
Classification: Likely benign for NOTCH2-related condition. Last evaluated: 2023-09-21. Review status: no assertion criteria provided. Collection method: clinical testing. Allele origin: germline. Not counted in ClinVar's aggregate classification.
Comment: This variant is classified as likely benign based on ACMG/AMP sequence variant interpretation guidelines (Richards et al. 2015 PMID: 25741868, with internal and published modifications).